The following is an entry in ClinVar:

ClinVar aggregate classification (germline): Uncertain significance (1 of 4 stars; one submission).

Submission:

GeneDx
Classification: Uncertain significance. Last evaluated: 2024-01-02. Review status: criteria provided, single submitter. Criteria: GeneDx Variant Classification Process June 2021. Collection method: clinical testing. Allele origin: germline. Affected: yes.
Comment: Not observed at significant frequency in large population cohorts (gnomAD); In silico analysis supports that this missense variant has a deleterious effect on protein structure/function; Has not been previously published as pathogenic or benign to our knowledge; Variants in candidate genes are classified as variants of uncertain significance in accordance with ACMG guidelines (PMID: 25741868)

NM_175634.3(RUNX1T1):c.1655G>A (p.Gly552Glu)

Gene: RUNX1T1 (RUNX1 partner transcriptional co-repressor 1; minus strand). Cytogenetic location: 8q21.3.
Variant type: single nucleotide variant.
Coding change: c.1655G>A on transcript NM_175634.3 (MANE Select); coding-DNA position 1655, G replaced by A.
Protein change: p.Gly552Glu; replaces glycine 552 with glutamic acid.
Molecular consequence: missense variant.
Genome position (GRCh38, 1-based): chr8:91,960,402, C>T on the plus strand (G>A on the coding strand, the complement: RUNX1T1 is on the minus strand). VCF-style: chr8-91960402-C-T. GRCh37 (hg19) VCF-style: chr8-92972630-C-T.
Other names: c.1574G>A, p.Gly525Glu (NM_001198625.2, NM_001198632.2, NM_004349.4); c.1655G>A, p.Gly552Glu (NM_001198626.2, NM_001198627.2, NM_001198628.2 and 3 more transcripts); c.1595G>A, p.Gly532Glu (NM_001198633.2); c.1688G>A, p.Gly563Glu (NM_001198634.2); c.1832G>A, p.Gly611Glu (NM_001198679.3); c.1739G>A, p.Gly580Glu (NM_001395209.1); c.1544G>A, p.Gly515Glu (NM_175635.3, NM_175636.2); short protein forms G515E, G525E, G532E, G552E, G563E, G580E, G611E.
Identifiers: ClinVar variation 3381460 (VCV003381460.1).